The following is an entry in ClinVar:

ClinVar aggregate classification (germline): Uncertain significance. Review status: criteria provided, single submitter (1 of 4 stars). 2 submissions from 2 submitters: Uncertain significance (1). 1 of the submissions does not count toward it. Last evaluated 2022-06-04.

Conditions:
BBS9-related disorder. Also called: BBS9-related condition.
Bardet-Biedl syndrome (BBS). Identifiers: Orphanet 110, MedGen C0752166, MONDO:0015229.

Allele frequency attached by ClinVar (database versions not stated): gnomAD exomes below 0.00001; TOPMed below 0.00001; gnomAD 0.00001.
gnomAD v4.1: 3 of 1,612,652 alleles (0.00019%); highest among the groups gnomAD compares: African/African-American, 0.0027%; no homozygotes.

Submissions (2):

Labcorp Genetics (formerly Invitae), Labcorp
Classification: Uncertain significance for Bardet-Biedl syndrome. Last evaluated: 2022-06-04. Review status: criteria provided, single submitter. Criteria: Invitae Variant Classification Sherloc (09022015). Collection method: clinical testing. Allele origin: germline.
Comment: This sequence change replaces histidine, which is basic and polar, with arginine, which is basic and polar, at codon 546 of the BBS9 protein (p.His546Arg). This variant is present in population databases (no rsID available, gnomAD 0.01%). This variant has not been reported in the literature in individuals affected with BBS9-related conditions. Algorithms developed to predict the effect of missense changes on protein structure and function are either unavailable or do not agree on the potential impact of this missense change (SIFT: "Deleterious"; PolyPhen-2: "Probably Damaging"; Align-GVGD: "Class C0"). In summary, the available evidence is currently insufficient to determine the role of this variant in disease. Therefore, it has been classified as a Variant of Uncertain Significance.

PreventionGenetics, part of Exact Sciences
Classification: Uncertain significance for BBS9-related condition. Last evaluated: 2024-03-04. Review status: no assertion criteria provided. Collection method: clinical testing. Allele origin: germline. Not counted in ClinVar's aggregate classification.
Comment: The BBS9 c.1637A>G variant is predicted to result in the amino acid substitution p.His546Arg. To our knowledge, this variant has not been reported in the literature. This variant is reported in 0.011% of alleles in individuals of African descent in gnomAD. At this time, the clinical significance of this variant is uncertain due to the absence of conclusive functional and genetic evidence.

NM_198428.3(BBS9):c.1637A>G (p.His546Arg)

Gene: BBS9 (Bardet-Biedl syndrome 9; plus strand). Cytogenetic location: 7p14.3.
Variant type: single nucleotide variant.
Coding change: c.1637A>G on transcript NM_198428.3 (MANE Select); coding-DNA position 1637, A replaced by G.
Protein change: p.His546Arg; replaces histidine 546 with arginine.
Molecular consequence: missense variant. On other transcripts: non-coding transcript variant (3).
Genome position (GRCh38, 1-based): chr7:33,357,939, A>G. VCF-style: chr7-33357939-A-G. GRCh37 (hg19) VCF-style: chr7-33397551-A-G.
Other names: c.1532A>G, p.His511Arg (NM_001033604.2); c.1622A>G, p.His541Arg (NM_001033605.2); c.1637A>G, p.His546Arg (NM_001348036.1, NM_001348041.4, NM_001348043.3 and 3 more transcripts); c.1271A>G, p.His424Arg (NM_001348037.3, NM_001348045.3, NM_001348046.3); c.1364A>G, p.His455Arg (NM_001348038.3); c.1259A>G, p.His420Arg (NM_001348039.3); c.1517A>G, p.His506Arg (NM_001348040.3, NM_014451.4); c.1502A>G, p.His501Arg (NM_001348042.3); and 2 more; short protein forms H501R, H511R, H506R, H546R, H389R, H420R, H424R, H455R.
Identifiers: ClinVar variation 2174146 (VCV002174146.2), dbSNP rs1380584977, ClinGen allele CA367252205.